The following is an entry in ClinVar:

NM_006031.6(PCNT):c.9623+8C>T

Gene: PCNT (pericentrin; plus strand). Cytogenetic location: 21q22.3.
Variant type: single nucleotide variant.
Coding change: c.9623+8C>T on transcript NM_006031.6 (MANE Select); 8 bases into the intron after coding-DNA position 9623, C replaced by T.
Molecular consequence: intron variant.
Genome position (GRCh38, 1-based): chr21:46,441,092, C>T. VCF-style: chr21-46441092-C-T. GRCh37 (hg19) VCF-style: chr21-47861005-C-T.
Other names: c.9032+8C>T (NM_001315529.2).
Identifiers: ClinVar variation 159694 (VCV000159694.23), dbSNP rs75758339, ClinGen allele CA173147.

ClinVar aggregate classification (germline): Benign/Likely benign. Review status: criteria provided, multiple submitters, no conflicts (2 of 4 stars). 7 submissions from 7 submitters: Benign (3); Likely benign (3). 1 of the submissions does not count toward it. Last evaluated 2026-01-17.

Conditions:
PCNT-related disorder. Also called: PCNT-related condition.
Microcephalic osteodysplastic primordial dwarfism type II (MOPD2). Also called: MOPD II; OSTEODYSPLASTIC PRIMORDIAL DWARFISM, TYPE II; Microcephalic osteodysplastic primordial dwarfism with tooth abnormalities. Identifiers: Orphanet 2637, MedGen C0432246, MONDO:0008872, OMIM 210720.

Allele frequency attached by ClinVar (database versions not stated): gnomAD exomes 0.00088; ExAC 0.00105; 1000 Genomes Project 0.00260; 1000 Genomes Project 30x 0.00359; gnomAD 0.00365 and 0.00388; TOPMed 0.00420; ESP Exome Variant Server 0.00438.
gnomAD v4.1: 1,113 of 1,554,514 alleles (0.072%); highest among the groups gnomAD compares: African/African-American, 1.3%; 15 homozygotes.

Submissions (7):

Labcorp Genetics (formerly Invitae), Labcorp
Classification: Benign. Last evaluated: 2026-01-17. Review status: criteria provided, single submitter. Criteria: Invitae Variant Classification Sherloc (09022015). Collection method: clinical testing. Allele origin: germline.

CeGaT Center for Human Genetics Tuebingen
Classification: Benign. Last evaluated: 2025-10-01. Review status: criteria provided, single submitter. Criteria: CeGaT Center For Human Genetics Tuebingen Variant Classification Criteria Version 2. Collection method: clinical testing. Allele origin: germline. Affected: yes. Observed: 1 variant allele.
Comment: PCNT: BP4, BS1, BS2

Blueprint Genetics
Classification: Likely benign. Last evaluated: 2024-11-01. Review status: criteria provided, single submitter. Criteria: ACMG Guidelines, 2015. Collection method: clinical testing. Allele origin: germline.

ARUP Laboratories, Molecular Genetics and Genomics, ARUP Laboratories
Classification: Benign for Microcephalic osteodysplastic primordial dwarfism type II. Last evaluated: 2023-09-22. Review status: criteria provided, single submitter. Criteria: ARUP Molecular Germline Variant Investigation Process 2024. Collection method: clinical testing. Allele origin: germline.

GeneDx
Classification: Likely benign. Last evaluated: 2017-10-10. Review status: criteria provided, single submitter. Criteria: GeneDx Variant Classification (06012015). Collection method: clinical testing. Allele origin: germline. Affected: yes.
Comment: This variant is considered likely benign or benign based on one or more of the following criteria: it is a conservative change, it occurs at a poorly conserved position in the protein, it is predicted to be benign by multiple in silico algorithms, and/or has population frequency not consistent with disease.

Genetic Services Laboratory, University of Chicago
Classification: Likely benign. Last evaluated: 2015-08-05. Review status: criteria provided, single submitter. Criteria: ACMG Guidelines, 2015. Collection method: clinical testing. Allele origin: germline.

PreventionGenetics, part of Exact Sciences
Classification: Benign for PCNT-related condition. Last evaluated: 2021-08-10. Review status: no assertion criteria provided. Collection method: clinical testing. Allele origin: germline. Not counted in ClinVar's aggregate classification.
Comment: This variant is classified as benign based on ACMG/AMP sequence variant interpretation guidelines (Richards et al. 2015 PMID: 25741868, with internal and published modifications).